The following is an entry in ClinVar:

NM_006031.6(PCNT):c.8834A>G (p.Asp2945Gly)

Gene: PCNT (pericentrin; plus strand). Cytogenetic location: 21q22.3.
Variant type: single nucleotide variant.
Coding change: c.8834A>G on transcript NM_006031.6 (MANE Select); coding-DNA position 8834, A replaced by G.
Protein change: p.Asp2945Gly; replaces aspartic acid 2945 with glycine.
Molecular consequence: missense variant.
Genome position (GRCh38, 1-based): chr21:46,435,986, A>G. VCF-style: chr21-46435986-A-G. GRCh37 (hg19) VCF-style: chr21-47855899-A-G.
Other names: c.8243A>G, p.Asp2748Gly (NM_001315529.2); short protein forms D2748G, D2945G.
Identifiers: ClinVar variation 2807805 (VCV002807805.1), dbSNP rs1291630996, ClinGen allele CA410574896.
Genomic context (GRCh38, chr21:46,435,986, plus strand): 5'-AGCGTGACTTGCATAAGATCAAGCAGCTTCAGCAGACAGTGAGAGACCTGGAGTCGAAGG[A>G]CGAGGTGCCTGGCAGCCGCCTCCACCTAGGTTCTGCCCGCAGGGCTGCCGGCTCGGATGC-3'
Protein context (NP_006022.3, residues 2935-2955): QQTVRDLESK[Asp2945Gly]EVPGSRLHLG

ClinVar aggregate classification (germline): Uncertain significance (1 of 4 stars; one submission).

Allele frequency attached by ClinVar (database versions not stated): gnomAD exomes below 0.00001.
gnomAD v4.1: 1 of 1,614,190 alleles (0.000062%); highest among the groups gnomAD compares: Non-Finnish European, 0.000085%; no homozygotes.

Submission:

Labcorp Genetics (formerly Invitae), Labcorp
Classification: Uncertain significance. Last evaluated: 2023-12-21. Review status: criteria provided, single submitter. Criteria: Invitae Variant Classification Sherloc (09022015). Collection method: clinical testing. Allele origin: germline.
Comment: This sequence change replaces aspartic acid, which is acidic and polar, with glycine, which is neutral and non-polar, at codon 2945 of the PCNT protein (p.Asp2945Gly). This variant is present in population databases (no rsID available, gnomAD 0.0009%). This variant has not been reported in the literature in individuals affected with PCNT-related conditions. An algorithm developed to predict the effect of missense changes on protein structure and function (PolyPhen-2) suggests that this variant is likely to be disruptive. In summary, the available evidence is currently insufficient to determine the role of this variant in disease. Therefore, it has been classified as a Variant of Uncertain Significance.